The following is an entry in ClinVar:

ClinVar aggregate classification (germline): Uncertain significance (1 of 4 stars; one submission).

Conditions:
Rhabdoid tumor predisposition syndrome 2 (RTPS2). Identifiers: Orphanet 231108, Orphanet 69077, MedGen C2750074, MONDO:0013224, OMIM 613325.

Submission:

Labcorp Genetics (formerly Invitae), Labcorp
Classification: Uncertain significance for Rhabdoid tumor predisposition syndrome 2. Last evaluated: 2019-12-21. Review status: criteria provided, single submitter. Criteria: Invitae Variant Classification Sherloc (09022015). Collection method: clinical testing. Allele origin: germline.
Comment: In summary, the available evidence is currently insufficient to determine the role of this variant in disease. Therefore, it has been classified as a Variant of Uncertain Significance. Algorithms developed to predict the effect of missense changes on protein structure and function are either unavailable or do not agree on the potential impact of this missense change (SIFT: "Deleterious"; PolyPhen-2: "Not Available"; Align-GVGD: "Class C65"). This variant has not been reported in the literature in individuals with SMARCA4-related conditions. This variant is not present in population databases (ExAC no frequency). This sequence change replaces proline with serine at codon 22 of the SMARCA4 protein (p.Pro22Ser). The proline residue is highly conserved and there is a moderate physicochemical difference between proline and serine.

NM_003072.5(SMARCA4):c.64C>T (p.Pro22Ser)

Gene: SMARCA4 (SWI/SNF related BAF chromatin remodeling complex subunit ATPase 4; plus strand). Cytogenetic location: 19p13.2.
Variant type: single nucleotide variant.
Coding change: c.64C>T on transcript NM_003072.5 (MANE Select); coding-DNA position 64, C replaced by T.
Protein change: p.Pro22Ser; replaces proline 22 with serine.
Molecular consequence: missense variant. On other transcripts: non-coding transcript variant (1).
Genome position (GRCh38, 1-based): chr19:10,984,215, C>T. VCF-style: chr19-10984215-C-T. GRCh37 (hg19) VCF-style: chr19-11094891-C-T.
Other names: c.64C>T, p.Pro22Ser (NM_001128844.3, NM_001128845.2, NM_001128846.2 and 4 more transcripts); short protein forms P22S.
Identifiers: ClinVar variation 835414 (VCV000835414.10), dbSNP rs2085807805, ClinGen allele CA404054044.